The following is an entry in ClinVar:

NM_001267550.2(TTN):c.37578_37591dup (p.Ala12531fs)

Gene: TTN (titin; minus strand). Cytogenetic location: 2q31.2.
Variant type: Duplication.
Coding change: c.37578_37591dup on transcript NM_001267550.2 (MANE Select); coding-DNA positions 37578 to 37591, 14 bases duplicated (GAAAGCATCTGTGG).
Protein change: p.Ala12531fs; shifts the reading frame from alanine 12531.
Molecular consequence: frameshift variant. On other transcripts: intron variant (5).
Genome position (GRCh38, 1-based): chr2:178,658,504-178,658,517, CCACAGATGCTTTC duplicated on the plus strand (GAAAGCATCTGTGG on the coding strand, the reverse complement: TTN is on the minus strand). VCF-style (leftmost placement, unchanged base first): chr2-178658503-G-GCCACAGATGCTTTC. GRCh37 (hg19) VCF-style: chr2-179523230-G-GCCACAGATGCTTTC.
Other names: c.13283-16200_13283-16187dup (NM_003319.4); c.13859-16200_13859-16187dup (NM_133437.4); c.13658-16200_13658-16187dup (NM_133432.3); c.31741+488_31741+501dup (NM_133378.4); c.34522+488_34522+501dup (NM_001256850.1); short protein forms A12531fs.
Identifiers: ClinVar variation 3368574 (VCV003368574.2).

ClinVar aggregate classification (germline): Likely pathogenic (1 of 4 stars; one submission).

Submission:

GeneDx
Classification: Likely pathogenic. Last evaluated: 2025-08-22. Review status: criteria provided, single submitter. Criteria: GeneDx Variant Classification Process June 2021. Collection method: clinical testing. Allele origin: germline.
Comment: Frameshift variant predicted to result in protein truncation or nonsense mediated decay in a gene for which loss of function is a known mechanism of disease; Located in a region of TTN in which the majority of pathogenic variants have been reported in association with autosomal recessive skeletal myopathies (PMID: 28040389, 29575618, 31660661, 32778822); Not observed at significant frequency in large population cohorts (gnomAD); Has not been previously published as pathogenic or benign to our knowledge; This variant is associated with the following publications: (PMID: 28040389, 29575618, 31660661, 32778822)